The following is an entry in ClinVar:

ClinVar aggregate classification (germline): Uncertain significance (1 of 4 stars; one submission).

Conditions:
Leigh syndrome (NULS). Also called: Leigh's necrotizing encephalopathy; Leigh's disease; Leigh Syndrome (mtDNA deletion); Leigh Disease; Subacute necrotizing encephalopathy; Necrotizing encephalopathy infantile subacute of Leigh. Identifiers: Orphanet 506, MedGen C2931891, MONDO:0009723, OMIM 256000.

Submission:

Wong Mito Lab, Molecular and Human Genetics, Baylor College of Medicine
Classification: Uncertain significance for Leigh syndrome. Last evaluated: 2019-10-17. Review status: criteria provided, single submitter. Criteria: Modified ACMG Guidelines (Unpublished). Collection method: clinical testing. Allele origin: germline.
Comment: The NC_012920.1:m.11120T>C (YP_003024035.1:p.Phe121Leu) variant in MTND4 gene is interpretated to be a Uncertain Significance variant based on the modified ACMG guidelines (unpublished). This variant meets the following evidence codes: BP4

NC_012920.1(MT-ND4):m.11120T>C

Gene: MT-ND4 (mitochondrially encoded NADH dehydrogenase 4; plus strand).
Variant type: single nucleotide variant.
Genome position: chrM-11120-T-C.
Identifiers: ClinVar variation 693343 (VCV000693343.1), dbSNP rs1603223116, ClinGen allele CA414809506.
Genomic context (GRCh38, chrMT:11,120, plus strand): 5'-TCCCTACAAATCTCCTTAATTATAACATTCACAGCCACAGAACTAATCATATTTTATATC[T>C]TCTTCGAAACCACACTTATCCCCACCTTGGCTATCATCACCCGATGAGGCAACCAGCCAG-3'